The following is an entry in ClinVar:

ClinVar aggregate classification (germline): Uncertain significance (1 of 4 stars; one submission).

Allele frequency attached by ClinVar (database versions not stated): TOPMed below 0.00001.

Submission:

Labcorp Genetics (formerly Invitae), Labcorp
Classification: Uncertain significance. Last evaluated: 2022-05-31. Review status: criteria provided, single submitter. Criteria: Invitae Variant Classification Sherloc (09022015). Collection method: clinical testing. Allele origin: germline.
Comment: This variant is not present in population databases (gnomAD no frequency). This sequence change replaces methionine, which is neutral and non-polar, with threonine, which is neutral and polar, at codon 243 of the HSD11B2 protein (p.Met243Thr). This variant has not been reported in the literature in individuals affected with HSD11B2-related conditions. In summary, the available evidence is currently insufficient to determine the role of this variant in disease. Therefore, it has been classified as a Variant of Uncertain Significance. Algorithms developed to predict the effect of missense changes on protein structure and function (SIFT, PolyPhen-2, Align-GVGD) all suggest that this variant is likely to be tolerated.

NM_000196.4(HSD11B2):c.728T>C (p.Met243Thr)

Gene: HSD11B2 (hydroxysteroid 11-beta dehydrogenase 2; plus strand). Cytogenetic location: 16q22.1.
Variant type: single nucleotide variant.
Coding change: c.728T>C on transcript NM_000196.4 (MANE Select); coding-DNA position 728, T replaced by C.
Protein change: p.Met243Thr; replaces methionine 243 with threonine.
Molecular consequence: missense variant.
Genome position (GRCh38, 1-based): chr16:67,436,312, T>C. VCF-style: chr16-67436312-T-C. GRCh37 (hg19) VCF-style: chr16-67470215-T-C.
Other names: short protein forms M243T.
Identifiers: ClinVar variation 2122078 (VCV002122078.4), dbSNP rs2040972351, ClinGen allele CA396280620.
Genomic context (GRCh38, chr16:67,436,312, plus strand): 5'-ACATGCCATATCCGTGCTTGGGGGCCTATGGAACCTCCAAAGCGGCCGTGGCGCTACTCA[T>C]GGACACATTCAGCTGTGAACTCCTTCCCTGGGGGGTCAAGGTCAGCATCATCCAGCCTGG-3'
Protein context (NP_000187.3, residues 233-253): GTSKAAVALL[Met243Thr]DTFSCELLPW